The following is an entry in ClinVar:

ClinVar aggregate classification (germline): Uncertain significance (1 of 4 stars; one submission).

Conditions:
Ehlers-Danlos syndrome, classic type, 1 (EDSCL1). Also called: EHLERS-DANLOS SYNDROME, GRAVIS TYPE; EHLERS-DANLOS SYNDROME, SEVERE CLASSIC TYPE; Ehlers-Danlos syndrome, type 1; Ehlers-Danlos Syndrome, Classic Type, COL5A1-Related; EDS I. Identifiers: MedGen C0268335, MONDO:0019567, OMIM 130000.

Allele frequency attached by ClinVar (database versions not stated): gnomAD 0.00001; gnomAD exomes below 0.00001; TOPMed below 0.00001.
gnomAD v4.1: 3 of 1,613,688 alleles (0.00019%); highest among the groups gnomAD compares: Middle Eastern, 0.016%; no homozygotes.

Submission:

Labcorp Genetics (formerly Invitae), Labcorp
Classification: Uncertain significance for Ehlers-Danlos syndrome, classic type, 1. Last evaluated: 2024-10-21. Review status: criteria provided, single submitter. Criteria: Invitae Variant Classification Sherloc (09022015). Collection method: clinical testing. Allele origin: germline.
Comment: This sequence change replaces proline, which is neutral and non-polar, with leucine, which is neutral and non-polar, at codon 919 of the COL5A2 protein (p.Pro919Leu). This variant is not present in population databases (gnomAD no frequency). This variant has not been reported in the literature in individuals affected with COL5A2-related conditions. ClinVar contains an entry for this variant (Variation ID: 1443148). Invitae Evidence Modeling of protein sequence and biophysical properties (such as structural, functional, and spatial information, amino acid conservation, physicochemical variation, residue mobility, and thermodynamic stability) indicates that this missense variant is not expected to disrupt COL5A2 protein function with a negative predictive value of 80%. In summary, the available evidence is currently insufficient to determine the role of this variant in disease. Therefore, it has been classified as a Variant of Uncertain Significance.

NM_000393.5(COL5A2):c.2756C>T (p.Pro919Leu)

Gene: COL5A2 (collagen type V alpha 2 chain; minus strand). Cytogenetic location: 2q32.2.
Variant type: single nucleotide variant.
Coding change: c.2756C>T on transcript NM_000393.5 (MANE Select); coding-DNA position 2756, C replaced by T.
Protein change: p.Pro919Leu; replaces proline 919 with leucine.
Molecular consequence: missense variant.
Genome position (GRCh38, 1-based): chr2:189,052,185, G>A on the plus strand (C>T on the coding strand, the complement: COL5A2 is on the minus strand). VCF-style: chr2-189052185-G-A. GRCh37 (hg19) VCF-style: chr2-189916911-G-A.
Other names: short protein forms P919L.
Identifiers: ClinVar variation 1443148 (VCV001443148.5), dbSNP rs1388047059, ClinGen allele CA349868936.